The following is an entry in ClinVar:

NM_001374353.1(GLI2):c.4028G>C (p.Gly1343Ala)

Gene: GLI2 (GLI family zinc finger 2; plus strand). Cytogenetic location: 2q14.2.
Variant type: single nucleotide variant.
Coding change: c.4028G>C on transcript NM_001374353.1 (MANE Select); coding-DNA position 4028, G replaced by C.
Protein change: p.Gly1343Ala; replaces glycine 1343 with alanine.
Molecular consequence: missense variant.
Genome position (GRCh38, 1-based): chr2:120,989,993, G>C. VCF-style: chr2-120989993-G-C. GRCh37 (hg19) VCF-style: chr2-121747569-G-C.
Other names: c.4079G>C, p.Gly1360Ala (NM_001371271.1, NM_005270.5); c.3653G>C, p.Gly1218Ala (NM_001374354.1); short protein forms G1360A, G1218A, G1343A.
Identifiers: ClinVar variation 2224525 (VCV002224525.5), dbSNP rs777551364, ClinGen allele CA1852539.

ClinVar aggregate classification (germline): Uncertain significance. Review status: criteria provided, multiple submitters, no conflicts (2 of 4 stars). 2 submissions from 2 submitters: Uncertain significance (2). Last evaluated 2025-06-01.

Conditions:
Inborn genetic diseases. Identifiers: MedGen C0950123, MeSH D030342.
Holoprosencephaly 9 (HPE9). Also called: HOLOPROSENCEPHALY WITH MICROPHTHALMIA AND FIRST BRANCHIAL ARCH ANOMALIES; PITUITARY ANOMALIES WITH HOLOPROSENCEPHALY-LIKE FEATURES. Identifiers: Orphanet 2162, MedGen C1835819, MONDO:0012563, OMIM 610829.
Postaxial polydactyly-anterior pituitary anomalies-facial dysmorphism syndrome. Also called: Culler-Jones syndrome. Identifiers: Orphanet 420584, MedGen C4014479, MONDO:0014369, OMIM 615849.

Allele frequency attached by ClinVar (database versions not stated): ExAC 0.00001; gnomAD 0.00002.
gnomAD v4.1: 14 of 1,609,982 alleles (0.00087%); highest among the groups gnomAD compares: African/African-American, 0.0093%; no homozygotes.

Submissions (2):

Labcorp Genetics (formerly Invitae), Labcorp
Classification: Uncertain significance for Postaxial polydactyly-anterior pituitary anomalies-facial dysmorphism syndrome; Holoprosencephaly 9. Last evaluated: 2025-06-01. Review status: criteria provided, single submitter. Criteria: Invitae Variant Classification Sherloc (09022015). Collection method: clinical testing. Allele origin: germline.
Comment: This sequence change replaces glycine, which is neutral and non-polar, with alanine, which is neutral and non-polar, at codon 1360 of the GLI2 protein (p.Gly1360Ala). This variant is present in population databases (rs777551364, gnomAD 0.007%). This variant has not been reported in the literature in individuals affected with GLI2-related conditions. ClinVar contains an entry for this variant (Variation ID: 2224525). Invitae Evidence Modeling of protein sequence and biophysical properties (such as structural, functional, and spatial information, amino acid conservation, physicochemical variation, residue mobility, and thermodynamic stability) indicates that this missense variant is not expected to disrupt GLI2 protein function with a negative predictive value of 80%. In summary, the available evidence is currently insufficient to determine the role of this variant in disease. Therefore, it has been classified as a Variant of Uncertain Significance.

Ambry Genetics
Classification: Uncertain significance for Inborn genetic diseases. Last evaluated: 2021-09-16. Review status: criteria provided, single submitter. Criteria: Ambry Variant Classification Scheme 2023. Collection method: clinical testing. Allele origin: germline.